The following is an entry in ClinVar:

NM_000030.3(AGXT):c.827T>A (p.Leu276Gln)

Gene: AGXT (alanine--glyoxylate aminotransferase; plus strand). Cytogenetic location: 2q37.3.
Variant type: single nucleotide variant.
Coding change: c.827T>A on transcript NM_000030.3 (MANE Select); coding-DNA position 827, T replaced by A.
Protein change: p.Leu276Gln; replaces leucine 276 with glutamine.
Molecular consequence: missense variant.
Genome position (GRCh38, 1-based): chr2:240,875,985, T>A. VCF-style: chr2-240875985-T-A. GRCh37 (hg19) VCF-style: chr2-241815402-T-A.
Other names: short protein forms L276Q.
Identifiers: ClinVar variation 2681191 (VCV002681191.1), dbSNP rs2528758397, ClinGen allele CA351318392.

ClinVar aggregate classification (germline): Uncertain significance (1 of 4 stars; one submission).

Conditions:
Primary hyperoxaluria, type I (HP1). Also called: OXALOSIS I; Primary hyperoxaluria type 1; GLYCOLIC ACIDURIA; HEPATIC AGT DEFICIENCY. Identifiers: Orphanet 416, Orphanet 93598, MedGen C0268164, MONDO:0009823, OMIM 259900. Disease mechanism: loss of function.

gnomAD v4.1: 1 of 1,614,138 alleles (0.000062%); no homozygotes.

Submission:

Clinical Biochemistry Laboratory, Health Services Laboratory
Classification: Uncertain significance for Primary hyperoxaluria, type I. Last evaluated: 2023-10-27. Review status: criteria provided, single submitter. Criteria: ACMG Guidelines, 2015. Collection method: curation. Allele origin: germline. Affected: yes.
Comment: ACMG:PM2 PP3

Literature cited by the submitters: PubMed 36185032.